The following is an entry in ClinVar:

ClinVar aggregate classification (germline): Uncertain significance (1 of 4 stars; one submission).

Conditions:
Myofibrillar myopathy 4. Also called: Zaspopathy (type). Identifiers: Orphanet 98912, MedGen C4721886, MONDO:0012277, OMIM 609452.

Submission:

Labcorp Genetics (formerly Invitae), Labcorp
Classification: Uncertain significance for Myofibrillar myopathy 4. Last evaluated: 2025-11-09. Review status: criteria provided, single submitter. Criteria: Invitae Variant Classification Sherloc (09022015). Collection method: clinical testing. Allele origin: germline.
Comment: This sequence change replaces serine, which is neutral and polar, with phenylalanine, which is neutral and non-polar, at codon 220 of the LDB3 protein (p.Ser220Phe). This variant is present in population databases (rs770477481, gnomAD 0.003%). This variant has not been reported in the literature in individuals affected with LDB3-related conditions. An algorithm developed to predict the effect of missense changes on protein structure and function (PolyPhen-2) suggests that this variant is likely to be disruptive. In summary, the available evidence is currently insufficient to determine the role of this variant in disease. Therefore, it has been classified as a Variant of Uncertain Significance.

NM_007078.3(LDB3):c.800C>T (p.Ser267Phe)

Gene: LDB3 (LIM domain binding 3; plus strand). Cytogenetic location: 10q23.2.
Variant type: single nucleotide variant.
Coding change: c.800C>T on transcript NM_007078.3 (MANE Select); coding-DNA position 800, C replaced by T.
Protein change: p.Ser267Phe; replaces serine 267 with phenylalanine.
Molecular consequence: missense variant.
Genome position (GRCh38, 1-based): chr10:86,692,006, C>T. VCF-style: chr10-86692006-C-T. GRCh37 (hg19) VCF-style: chr10-88451763-C-T.
Other names: c.659C>T, p.Ser220Phe (NM_001080114.2, NM_001080116.1, NM_001368066.1 and 2 more transcripts); c.800C>T, p.Ser267Phe (NM_001080115.2, NM_001368063.1, NM_001368064.1 and 1 more transcripts); c.1004C>T, p.Ser335Phe (NM_001171610.2, NM_001171611.2); short protein forms S220F, S267F, S335F.
Identifiers: ClinVar variation 4759683 (VCV004759683.1).